The following is an entry in ClinVar:

ClinVar aggregate classification (germline): Pathogenic (1 of 4 stars; one submission).

Conditions:
Duchenne muscular dystrophy (DMD). Also called: MUSCULAR DYSTROPHY, PSEUDOHYPERTROPHIC PROGRESSIVE, DUCHENNE TYPE; Duchenne Muscular Dystrophy (DMD). Identifiers: Orphanet 98896, MedGen C0013264, MONDO:0010679, OMIM 310200.

Submission:

Labcorp Genetics (formerly Invitae), Labcorp
Classification: Pathogenic for Duchenne muscular dystrophy. Last evaluated: 2022-12-23. Review status: criteria provided, single submitter. Criteria: Invitae Variant Classification Sherloc (09022015). Collection method: clinical testing. Allele origin: germline.
Comment: Algorithms developed to predict the effect of sequence changes on RNA splicing suggest that this variant may disrupt the consensus splice site. ClinVar contains an entry for this variant (Variation ID: 1322228). Disruption of this splice site has been observed in individual(s) with Duchenne muscular dystrophy (PMID: 23536893, 25972034). This variant is not present in population databases (gnomAD no frequency). This sequence change affects an acceptor splice site in intron 17 of the DMD gene. It is expected to disrupt RNA splicing. Variants that disrupt the donor or acceptor splice site typically lead to a loss of protein function (PMID: 16199547), and loss-of-function variants in DMD are known to be pathogenic (PMID: 16770791, 25007885). For these reasons, this variant has been classified as Pathogenic.

Literature cited by the submitters: PubMed 23536893; PubMed 25972034; PubMed 16199547; PubMed 16770791; PubMed 25007885.

NM_004006.3(DMD):c.2169-2A>T

Gene: DMD (dystrophin; minus strand). Cytogenetic location: Xp21.1.
Variant type: single nucleotide variant.
Coding change: c.2169-2A>T on transcript NM_004006.3 (MANE Select); the canonical splice acceptor site of the intron before coding-DNA position 2169, A replaced by T.
Molecular consequence: splice acceptor variant.
Genome position (GRCh38, 1-based): chrX:32,518,133, T>A on the plus strand (A>T on the coding strand, the complement: DMD is on the minus strand). VCF-style: chrX-32518133-T-A. GRCh37 (hg19) VCF-style: chrX-32536250-T-A.
Other names: c.2145-2A>T (NM_000109.4); c.2157-2A>T (NM_004009.3); c.1800-2A>T (NM_004010.3).
Identifiers: ClinVar variation 1322228 (VCV001322228.6), dbSNP rs2148805010, ClinGen allele CA412664272.
Genomic context (GRCh38, chrX:32,518,133, plus strand): 5'-GCAACACAGCTTCTGAGCGAGTAATCCAGCTGTGAAGTTCAGTTATATCAACATCCAACC[T>A]AAGACAGCAAAAAATAAAAGTCATTATTTCTTGATTATCTCTTTCTTCTATATTAAAAAA-3'